The following is an entry in ClinVar:

NM_020928.2(ZSWIM6):c.2214T>G (p.Ile738Met)

Gene: ZSWIM6 (zinc finger SWIM-type containing 6; plus strand). Cytogenetic location: 5q12.1.
Variant type: single nucleotide variant.
Coding change: c.2214T>G on transcript NM_020928.2 (MANE Select); coding-DNA position 2214, T replaced by G.
Protein change: p.Ile738Met; replaces isoleucine 738 with methionine.
Molecular consequence: missense variant.
Genome position (GRCh38, 1-based): chr5:61,531,694, T>G. VCF-style: chr5-61531694-T-G. GRCh37 (hg19) VCF-style: chr5-60827521-T-G.
Other names: short protein forms I738M.
Identifiers: ClinVar variation 2697253 (VCV002697253.17), dbSNP rs1382893991, ClinGen allele CA359944839.

ClinVar aggregate classification (germline): Uncertain significance. Review status: criteria provided, multiple submitters, no conflicts (2 of 4 stars). 2 submissions from 2 submitters: Uncertain significance (2). Last evaluated 2024-10-01.

Allele frequency attached by ClinVar (database versions not stated): gnomAD 0.00001.
gnomAD v4.1: 3 of 1,551,520 alleles (0.00019%); highest among the groups gnomAD compares: Non-Finnish European, 0.00026%; no homozygotes.

Submissions (2):

CeGaT Center for Human Genetics Tuebingen
Classification: Uncertain significance. Last evaluated: 2024-10-01. Review status: criteria provided, single submitter. Criteria: CeGaT Center For Human Genetics Tuebingen Variant Classification Criteria Version 2. Collection method: clinical testing. Allele origin: germline. Affected: yes. Observed: 1 variant allele.

Labcorp Genetics (formerly Invitae), Labcorp
Classification: Uncertain significance. Last evaluated: 2024-04-25. Review status: criteria provided, single submitter. Criteria: Invitae Variant Classification Sherloc (09022015). Collection method: clinical testing. Allele origin: germline.
Comment: This sequence change replaces isoleucine, which is neutral and non-polar, with methionine, which is neutral and non-polar, at codon 738 of the ZSWIM6 protein (p.Ile738Met). This variant is present in population databases (no rsID available, gnomAD 0.007%). This variant has not been reported in the literature in individuals affected with ZSWIM6-related conditions. Advanced modeling of protein sequence and biophysical properties (such as structural, functional, and spatial information, amino acid conservation, physicochemical variation, residue mobility, and thermodynamic stability) performed at Invitae indicates that this missense variant is not expected to disrupt ZSWIM6 protein function with a negative predictive value of 80%. In summary, the available evidence is currently insufficient to determine the role of this variant in disease. Therefore, it has been classified as a Variant of Uncertain Significance.